The following is an entry in ClinVar:

NM_000321.3(RB1):c.1955A>T (p.Lys652Ile)

Gene: RB1 (RB transcriptional corepressor 1; plus strand). Cytogenetic location: 13q14.2.
Variant type: single nucleotide variant.
Coding change: c.1955A>T on transcript NM_000321.3 (MANE Select); coding-DNA position 1955, A replaced by T.
Protein change: p.Lys652Ile; replaces lysine 652 with isoleucine.
Molecular consequence: missense variant.
Genome position (GRCh38, 1-based): chr13:48,456,344, A>T. VCF-style: chr13-48456344-A-T. GRCh37 (hg19) VCF-style: chr13-49030480-A-T.
Other names: c.1955A>T, p.Lys652Ile (NM_001407165.1); short protein forms K652I.
Identifiers: ClinVar variation 3313038 (VCV003313038.2).

ClinVar aggregate classification (germline): Uncertain significance (1 of 4 stars; one submission).

Conditions:
Hereditary cancer-predisposing syndrome. Also called: Neoplastic Syndromes, Hereditary; Tumor predisposition; Hereditary Cancer Syndrome; Hereditary neoplastic syndrome. Identifiers: Orphanet 140162, MedGen C0027672, MeSH D009386, MONDO:0015356.

Submission:

Ambry Genetics
Classification: Uncertain significance for Hereditary cancer-predisposing syndrome. Last evaluated: 2026-07-30. Review status: criteria provided, single submitter. Criteria: Ambry Variant Classification Scheme 2023. Collection method: clinical testing. Allele origin: germline.
Comment: The p.K652I variant (also known as c.1955A>T), located in coding exon 19 of the RB1 gene, results from an A to T substitution at nucleotide position 1955. The lysine at codon 652 is replaced by isoleucine, an amino acid with dissimilar properties. This amino acid position is highly conserved in available vertebrate species. In addition, this alteration is predicted to be deleterious by in silico analysis. Based on the available evidence, the clinical significance of this variant remains unclear.